The following is an entry in ClinVar:

NM_138387.4(G6PC3):c.851T>G (p.Ile284Arg)

Gene: G6PC3 (glucose-6-phosphatase catalytic subunit 3; plus strand). Cytogenetic location: 17q21.31.
Variant type: single nucleotide variant.
Coding change: c.851T>G on transcript NM_138387.4 (MANE Select); coding-DNA position 851, T replaced by G.
Protein change: p.Ile284Arg; replaces isoleucine 284 with arginine.
Molecular consequence: missense variant. On other transcripts: 3 prime UTR variant (1).
Genome position (GRCh38, 1-based): chr17:44,075,853, T>G. VCF-style: chr17-44075853-T-G. GRCh37 (hg19) VCF-style: chr17-42153221-T-G.
Other names: c.*144T>G (NM_001319945.2); c.506T>G, p.Ile169Arg (NM_001384165.1, NM_001384166.1, NM_001384167.1 and 1 more transcripts); short protein forms I284R, I169R.
Identifiers: ClinVar variation 1044785 (VCV001044785.8), dbSNP rs2050092912, ClinGen allele CA399729449.

ClinVar aggregate classification (germline): Uncertain significance (1 of 4 stars; one submission).

Conditions:
Autosomal recessive severe congenital neutropenia due to G6PC3 deficiency. Also called: G6PC3 Deficiency; NEUTROPENIA, SEVERE CONGENITAL, 4, AUTOSOMAL RECESSIVE. Identifiers: Orphanet 331176, MedGen C2751630, MONDO:0012930, OMIM 612541.

Submission:

Labcorp Genetics (formerly Invitae), Labcorp
Classification: Uncertain significance for Autosomal recessive severe congenital neutropenia due to G6PC3 deficiency. Last evaluated: 2022-08-23. Review status: criteria provided, single submitter. Criteria: Invitae Variant Classification Sherloc (09022015). Collection method: clinical testing. Allele origin: germline.
Comment: ClinVar contains an entry for this variant (Variation ID: 1044785). In summary, the available evidence is currently insufficient to determine the role of this variant in disease. Therefore, it has been classified as a Variant of Uncertain Significance. Algorithms developed to predict the effect of missense changes on protein structure and function (SIFT, PolyPhen-2, Align-GVGD) all suggest that this variant is likely to be tolerated. This variant has not been reported in the literature in individuals affected with G6PC3-related conditions. This variant is not present in population databases (gnomAD no frequency). This sequence change replaces isoleucine, which is neutral and non-polar, with arginine, which is basic and polar, at codon 284 of the G6PC3 protein (p.Ile284Arg).